The following is an entry in ClinVar:

NM_080425.4(GNAS):c.2008G>A (p.Asp670Asn)

Gene: GNAS (GNAS complex locus; plus strand). Cytogenetic location: 20q13.32.
Variant type: single nucleotide variant.
Coding change: c.2008G>A on transcript NM_080425.4 (MANE Plus Clinical); coding-DNA position 2008, G replaced by A.
Protein change: p.Asp670Asn; replaces aspartic acid 670 with asparagine.
Molecular consequence: missense variant. On other transcripts: synonymous variant (2), intron variant (3).
Genome position (GRCh38, 1-based): chr20:58,855,273, G>A. VCF-style: chr20-58855273-G-A. GRCh37 (hg19) VCF-style: chr20-57430328-G-A.
Other names: c.1821G>A, p.Ser607= (NM_001077490.3, NM_001309883.1); c.2008G>A, p.Asp670Asn (NM_001410913.1); c.*42+14387G>A (NM_016592.5); c.43+14387G>A (NM_001410912.1); c.-39+13398G>A (NM_001309861.2); short protein forms D670N.
Identifiers: ClinVar variation 3356783 (VCV003356783.2).

ClinVar aggregate classification (germline): Uncertain significance (1 of 4 stars; one submission).

Conditions:
GNAS-related disorder. Identifiers: MedGen CN380105.

Submission:

PreventionGenetics, part of Exact Sciences
Classification: Uncertain significance for GNAS-related condition. Last evaluated: 2026-06-16. Review status: criteria provided, single submitter. Criteria: ACMG Guidelines, 2015. Collection method: clinical testing. Allele origin: germline.
Comment: The GNAS c.2008G>A variant is predicted to result in the amino acid substitution p.Asp670Asn. Of note, this variant is also referred to as c.-36454G>A (pre-coding) with the more commonly reported isoform NM_000516. To our knowledge, this variant has not been reported in the literature. This variant is reported in 0.0023% of alleles in individuals of European (Non-Finnish) descent in gnomAD. At this time, the clinical significance of this variant is uncertain due to the absence of conclusive functional and genetic evidence.